The following is an entry in ClinVar:

ClinVar aggregate classification (germline): Conflicting classifications of pathogenicity. Review status: criteria provided, conflicting classifications (1 of 4 stars). 7 submissions from 7 submitters: Uncertain significance (2); Likely benign (5). Last evaluated 2026-02-02.

Conditions:
Gnathodiaphyseal dysplasia (GDD). Also called: GNATHODIAPHYSEAL SCLEROSIS; OSTEOGENESIS IMPERFECTA WITH UNUSUAL SKELETAL LESIONS. Identifiers: Orphanet 53697, MedGen C1833736, MONDO:0008151, OMIM 166260.
Autosomal recessive limb-girdle muscular dystrophy type 2L (LGMDR12). Also called: Limb-girdle muscular dystrophy, type 2L; MUSCULAR DYSTROPHY, LIMB-GIRDLE, AUTOSOMAL RECESSIVE 12; Limb-Girdle Muscular Dystrophy R12 Anoctamin-5-Related (LGMD-R12). Identifiers: Orphanet 206549, MedGen C1969785, MONDO:0012652, OMIM 611307.
ANO5-Related Muscle Diseases. Identifiers: MedGen CN180644.

Allele frequency attached by ClinVar (database versions not stated): gnomAD 0.00035 and 0.00037; TOPMed 0.00038; gnomAD exomes 0.00039 and 0.00055; ESP Exome Variant Server 0.00046; ExAC 0.00051.
gnomAD v4.1: 631 of 1,613,176 alleles (0.039%); highest among the groups gnomAD compares: Middle Eastern, 0.15%; 2 homozygotes.

Submissions (7):

Labcorp Genetics (formerly Invitae), Labcorp
Classification: Likely benign for Autosomal recessive limb-girdle muscular dystrophy type 2L; Gnathodiaphyseal dysplasia. Last evaluated: 2026-02-02. Review status: criteria provided, single submitter. Criteria: Invitae Variant Classification Sherloc (09022015). Collection method: clinical testing. Allele origin: germline.

Mayo Clinic Laboratories, Mayo Clinic
Classification: Likely benign. Last evaluated: 2025-01-02. Review status: criteria provided, single submitter. Criteria: ACMG Guidelines, 2015. Collection method: clinical testing. Allele origin: germline. Observed: 3 variant alleles.
Comment: BS1, BP4, BP7

Blueprint Genetics
Classification: Likely benign. Last evaluated: 2024-11-11. Review status: criteria provided, single submitter. Criteria: ACMG Guidelines, 2015. Collection method: clinical testing. Allele origin: germline.

GeneDx
Classification: Likely benign. Last evaluated: 2019-07-22. Review status: criteria provided, single submitter. Criteria: GeneDx Variant Classification Process June 2021. Collection method: clinical testing. Allele origin: germline. Affected: yes.

Illumina Laboratory Services, Illumina
Classification: Uncertain significance for ANO5-Related Muscle Diseases. Last evaluated: 2018-01-13. Review status: criteria provided, single submitter. Criteria: ICSL Variant Classification Criteria 13 December 2019. Collection method: clinical testing. Allele origin: germline.

Athena Diagnostics
Classification: Likely benign. Last evaluated: 2017-09-05. Review status: criteria provided, single submitter. Criteria: Athena Diagnostics Criteria. Collection method: clinical testing. Allele origin: germline.

Eurofins Ntd Llc (ga)
Classification: Uncertain significance. Last evaluated: 2016-10-07. Review status: criteria provided, single submitter. Criteria: EGL Classification Definitions 2015. Collection method: clinical testing. Allele origin: germline. Observed: 5 variant alleles, 5 heterozygotes.

NM_213599.3(ANO5):c.720G>T (p.Leu240=)

Gene: ANO5 (anoctamin 5; plus strand). Cytogenetic location: 11p14.3.
Variant type: single nucleotide variant.
Coding change: c.720G>T on transcript NM_213599.3 (MANE Select); coding-DNA position 720, G replaced by T.
Protein change: p.Leu240=; no amino-acid change (leucine 240 retained).
Molecular consequence: synonymous variant.
Genome position (GRCh38, 1-based): chr11:22,236,234, G>T. VCF-style: chr11-22236234-G-T. GRCh37 (hg19) VCF-style: chr11-22257780-G-T.
Other names: p.Leu240=; c.717G>T, p.Leu239= (NM_001142649.2).
Identifiers: ClinVar variation 283939 (VCV000283939.60), dbSNP rs147121216, ClinGen allele CA5923000.